The following is an entry in ClinVar:

ClinVar aggregate classification (germline): Pathogenic. Review status: criteria provided, multiple submitters, no conflicts (2 of 4 stars). 4 submissions from 4 submitters: Pathogenic (4). Last evaluated 2025-12-01.

Conditions:
Angelman syndrome (AS). Also called: HAPPY PUPPET SYNDROME. Identifiers: Orphanet 72, MedGen C0162635, MONDO:0007113, OMIM 105830. Disease mechanism: loss of function. Inheritance: imprinting disorder, AS is caused by disruption of maternally imprinted UBE3A located within the 15q11.2-q13 Angelman syndrome/Prader-Willi syndrome (AS/PWS) region..

Submissions (4):

GeneDx
Classification: Pathogenic. Last evaluated: 2025-12-01. Review status: criteria provided, single submitter. Criteria: GeneDx Variant Classification Process June 2021. Collection method: clinical testing. Allele origin: germline. Affected: yes.
Comment: Reported as a maternally inherited variant in an individual with Angelman syndrome in published literature (PMID: 19213023); Nonsense variant predicted to result in protein truncation or nonsense mediated decay in a gene for which loss of function is a known mechanism of disease; Not observed at significant frequency in large population cohorts (gnomAD); This variant is associated with the following publications: (PMID: 25525159, 25212744, 30040487, 29655203, 19213023)

Mendelics
Classification: Pathogenic for Angelman syndrome. Last evaluated: 2022-05-04. Review status: criteria provided, single submitter. Criteria: Mendelics Assertion Criteria 2019. Collection method: clinical testing. Allele origin: germline.

Dasa
Classification: Pathogenic for Angelman syndrome. Last evaluated: 2022-02-14. Review status: criteria provided, single submitter. Criteria: ACMG Guidelines, 2015. Collection method: clinical testing. Allele origin: germline. Affected: yes. Observed: 1 variant allele.
Comment: The c.1006C>T;p.(Arg336*) variant creates a premature translational stop signal in the UBE3A gene. It is expected to result in an absent or disrupted protein product - PVS1. This sequence change has been observed in affected individual(s) (PMID: 25212744; 19213023) - PS4_moderate. This variant is not present in population databases (gnomAD; ABraOM no frequency) - PM2. In summary, the currently available evidence indicates that the variant is pathogenic.

Labcorp Genetics (formerly Invitae), Labcorp
Classification: Pathogenic for Angelman syndrome. Last evaluated: 2020-02-04. Review status: criteria provided, single submitter. Criteria: Invitae Variant Classification Sherloc (09022015). Collection method: clinical testing. Allele origin: germline.
Comment: For these reasons, this variant has been classified as Pathogenic. Loss-of-function variants in UBE3A are known to be pathogenic (PMID: 25212744). This variant has been observed in individual(s) with Angelman syndrome (PMID: 19213023, 25212744). This variant is not present in population databases (ExAC no frequency). This sequence change creates a premature translational stop signal (p.Arg336*) in the UBE3A gene. It is expected to result in an absent or disrupted protein product.

Literature cited by the submitters: PubMed 25212744 (cited by Dasa and Labcorp Genetics (formerly Invitae), Labcorp); PubMed 19213023 (cited by Dasa and Labcorp Genetics (formerly Invitae), Labcorp).

NM_130839.5(UBE3A):c.1066C>T (p.Arg356Ter)

Genes: SNHG14 (small nucleolar RNA host gene 14; plus strand), UBE3A (ubiquitin protein ligase E3A; minus strand). Cytogenetic location: 15q11.2.
Variant type: single nucleotide variant.
Coding change: c.1066C>T on transcript NM_130839.5 (MANE Select); coding-DNA position 1066, C replaced by T.
Protein change: p.Arg356Ter; replaces arginine 356 with a stop codon.
Molecular consequence: nonsense. On other transcripts: non-coding transcript variant (1), intron variant (2).
Genome position (GRCh38, 1-based): chr15:25,371,108, G>A on the plus strand (C>T on the coding strand, the complement: UBE3A is on the minus strand). VCF-style: chr15-25371108-G-A. GRCh37 (hg19) VCF-style: chr15-25616255-G-A.
Other names: c.1075C>T, p.Arg359Ter (NM_000462.5); c.1066C>T, p.Arg356Ter (NM_001354505.1, NM_001354538.2, NM_001354545.2); c.1006C>T, p.Arg336Ter (NM_001354506.2, NM_001354507.2, NM_001354508.2 and 17 more transcripts); c.889C>T, p.Arg297Ter (NM_001354546.2); c.301+4357C>T (NM_001354551.2); c.361+4357C>T (NM_001354550.2); short protein forms R356*, R336*, R359*, R297*.
Identifiers: ClinVar variation 864214 (VCV000864214.17), dbSNP rs2080238010, ClinGen allele CA391354435.